The following is an entry in ClinVar:

NM_001376571.1(MADD):c.1257A>G (p.Pro419=)

Gene: MADD (MAP kinase activating death domain; plus strand). Cytogenetic location: 11p11.2.
Variant type: single nucleotide variant.
Coding change: c.1257A>G on transcript NM_001376571.1 (MANE Select); coding-DNA position 1257, A replaced by G.
Protein change: p.Pro419=; no amino-acid change (proline 419 retained).
Molecular consequence: synonymous variant. On other transcripts: non-coding transcript variant (8).
Genome position (GRCh38, 1-based): chr11:47,279,046, A>G. VCF-style: chr11-47279046-A-G. GRCh37 (hg19) VCF-style: chr11-47300597-A-G.
Other names: c.1257A>G, p.Pro419= (NM_001376596.1, NM_001376597.1, NM_001376598.1 and 80 more transcripts); c.1053A>G, p.Pro351= (NM_001376620.1, NM_001376626.1, NM_001376627.1 and 9 more transcripts); c.591A>G, p.Pro197= (NM_001376663.1).
Identifiers: ClinVar variation 3034323 (VCV003034323.2), dbSNP rs112202533, ClinGen allele CA5974070.

ClinVar aggregate classification (germline): Likely benign (0 of 4 stars; one submission).

Conditions:
MADD-related disorder. Also called: MADD-Related Disorders; MADD-related condition.

Allele frequency attached by ClinVar (database versions not stated): gnomAD exomes 0.00010; 1000 Genomes Project 30x 0.00016; 1000 Genomes Project 0.00020; ExAC 0.00026; gnomAD 0.00091; TOPMed 0.00115; ESP Exome Variant Server 0.00123.
gnomAD v4.1: 301 of 1,614,116 alleles (0.019%); highest among the groups gnomAD compares: African/African-American, 0.33%; 1 homozygote.

Submission:

PreventionGenetics, part of Exact Sciences
Classification: Likely benign for MADD-related condition. Last evaluated: 2019-06-17. Review status: no assertion criteria provided. Collection method: clinical testing. Allele origin: germline.
Comment: This variant is classified as likely benign based on ACMG/AMP sequence variant interpretation guidelines (Richards et al. 2015 PMID: 25741868, with internal and published modifications).